The following is an entry in ClinVar:

NM_003482.4(KMT2D):c.2214C>T (p.Ser738=)

Gene: KMT2D (lysine methyltransferase 2D; minus strand). Cytogenetic location: 12q13.12.
Variant type: single nucleotide variant.
Coding change: c.2214C>T on transcript NM_003482.4 (MANE Select); coding-DNA position 2214, C replaced by T.
Protein change: p.Ser738=; no amino-acid change (serine 738 retained).
Molecular consequence: synonymous variant.
Genome position (GRCh38, 1-based): chr12:49,051,469, G>A on the plus strand (C>T on the coding strand, the complement: KMT2D is on the minus strand). VCF-style: chr12-49051469-G-A. GRCh37 (hg19) VCF-style: chr12-49445252-G-A.
Identifiers: ClinVar variation 94198 (VCV000094198.21), dbSNP rs201219613, ClinGen allele CA222053.

ClinVar aggregate classification (germline): Conflicting classifications of pathogenicity. Review status: criteria provided, conflicting classifications (1 of 4 stars). 6 submissions from 6 submitters: Uncertain significance (1); Benign (1); Likely benign (3). 1 of the submissions does not count toward it. Last evaluated 2026-01-05.

Conditions:
KMT2D-related disorder. Also called: KMT2D-Related Disorders.
Kabuki syndrome. Also called: NIIKAWA-KUROKI SYNDROME; Kabuki make-up syndrome. Identifiers: Orphanet 2322, MedGen C0796004, MONDO:0016512.

Allele frequency attached by ClinVar (database versions not stated): ExAC 0.00004; gnomAD exomes 0.00007; 1000 Genomes Project 30x 0.00016; ESP Exome Variant Server 0.00017; TOPMed 0.00018; gnomAD 0.00019.
gnomAD v4.1: 93 of 1,612,728 alleles (0.0058%); highest among the groups gnomAD compares: African/African-American, 0.071%; no homozygotes.

Submissions (6):

Labcorp Genetics (formerly Invitae), Labcorp
Classification: Likely benign for Kabuki syndrome. Last evaluated: 2026-01-05. Review status: criteria provided, single submitter. Criteria: Invitae Variant Classification Sherloc (09022015). Collection method: clinical testing. Allele origin: germline.

ARUP Laboratories, Molecular Genetics and Genomics, ARUP Laboratories
Classification: Likely benign. Last evaluated: 2025-03-14. Review status: criteria provided, single submitter. Criteria: ARUP Molecular Germline Variant Investigation Process 2024. Collection method: clinical testing. Allele origin: germline.

Blueprint Genetics
Classification: Likely benign. Last evaluated: 2024-01-16. Review status: criteria provided, single submitter. Criteria: ACMG Guidelines, 2015. Collection method: clinical testing. Allele origin: germline.

GeneDx
Classification: Benign. Last evaluated: 2020-03-03. Review status: criteria provided, single submitter. Criteria: GeneDx Variant Classification Process June 2021. Collection method: clinical testing. Allele origin: germline. Affected: yes.

Eurofins Ntd Llc (ga)
Classification: Uncertain significance. Last evaluated: 2012-09-14. Review status: criteria provided, single submitter. Criteria: EGL Classification Definitions 2015. Collection method: clinical testing. Allele origin: germline. Observed: 1 variant allele, 1 heterozygote.

PreventionGenetics, part of Exact Sciences
Classification: Likely benign for KMT2D-related condition. Last evaluated: 2022-06-01. Review status: no assertion criteria provided. Collection method: clinical testing. Allele origin: germline. Not counted in ClinVar's aggregate classification.
Comment: This variant is classified as likely benign based on ACMG/AMP sequence variant interpretation guidelines (Richards et al. 2015 PMID: 25741868, with internal and published modifications).